The following is an entry in ClinVar:

NM_020937.4(FANCM):c.5792G>A (p.Arg1931Gln)

Gene: FANCM (FA complementation group M; plus strand). Cytogenetic location: 14q21.2.
Variant type: single nucleotide variant.
Coding change: c.5792G>A on transcript NM_020937.4 (MANE Select); coding-DNA position 5792, G replaced by A.
Protein change: p.Arg1931Gln; replaces arginine 1931 with glutamine.
Molecular consequence: missense variant.
Genome position (GRCh38, 1-based): chr14:45,198,719, G>A. VCF-style: chr14-45198719-G-A. GRCh37 (hg19) VCF-style: chr14-45667922-G-A.
Other names: c.5714G>A, p.Arg1905Gln (NM_001308133.2); short protein forms R1905Q, R1931Q.
Identifiers: ClinVar variation 1254822 (VCV001254822.11), dbSNP rs773595869, ClinGen allele CA7170071.

ClinVar aggregate classification (germline): Uncertain significance. Review status: criteria provided, multiple submitters, no conflicts (2 of 4 stars). 2 submissions from 2 submitters: Uncertain significance (2). Last evaluated 2024-04-15.

Conditions:
Fanconi anemia (FA). Also called: Fanconi's anemia. Identifiers: Orphanet 84, MedGen C0015625, MeSH D005199, MONDO:0019391.

Allele frequency attached by ClinVar (database versions not stated): ExAC 0.00001; gnomAD 0.00001; gnomAD exomes 0.00001; TOPMed 0.00002.
gnomAD v4.1: 18 of 1,613,798 alleles (0.0011%); highest among the groups gnomAD compares: Admixed American, 0.0017%; no homozygotes.

Submissions (2):

Labcorp Genetics (formerly Invitae), Labcorp
Classification: Uncertain significance for Fanconi anemia. Last evaluated: 2024-04-15. Review status: criteria provided, single submitter. Criteria: Invitae Variant Classification Sherloc (09022015). Collection method: clinical testing. Allele origin: germline.
Comment: This sequence change replaces arginine, which is basic and polar, with glutamine, which is neutral and polar, at codon 1931 of the FANCM protein (p.Arg1931Gln). This variant is present in population databases (rs773595869, gnomAD 0.004%). This variant has not been reported in the literature in individuals affected with FANCM-related conditions. ClinVar contains an entry for this variant (Variation ID: 1254822). An algorithm developed to predict the effect of missense changes on protein structure and function (PolyPhen-2) suggests that this variant is likely to be disruptive. In summary, the available evidence is currently insufficient to determine the role of this variant in disease. Therefore, it has been classified as a Variant of Uncertain Significance.

GeneDx
Classification: Uncertain significance. Last evaluated: 2023-08-30. Review status: criteria provided, single submitter. Criteria: GeneDx Variant Classification Process June 2021. Collection method: clinical testing. Allele origin: germline. Affected: yes.
Comment: Observed in an unaffected individual in an ovarian cancer case-control study (Dicks et al., 2017); In silico analysis supports that this missense variant has a deleterious effect on protein structure/function; Not observed at significant frequency in large population cohorts (gnomAD); This variant is associated with the following publications: (PMID: 28881617)